The following is an entry in ClinVar:

NM_024408.4(NOTCH2):c.1602T>C (p.Asp534=)

Gene: NOTCH2 (notch receptor 2; minus strand). Cytogenetic location: 1p12.
Variant type: single nucleotide variant.
Coding change: c.1602T>C on transcript NM_024408.4 (MANE Select); coding-DNA position 1602, T replaced by C.
Protein change: p.Asp534=; no amino-acid change (aspartic acid 534 retained).
Molecular consequence: synonymous variant.
Genome position (GRCh38, 1-based): chr1:119,965,532, A>G on the plus strand (T>C on the coding strand, the complement: NOTCH2 is on the minus strand). VCF-style: chr1-119965532-A-G. GRCh37 (hg19) VCF-style: chr1-120508155-A-G.
Other names: c.1602T>C, p.Asp534= (NM_001200001.2); c.1602T>C (NM_024408.3).
Identifiers: ClinVar variation 2050787 (VCV002050787.5), dbSNP rs782228170, ClinGen allele CA1040494.

ClinVar aggregate classification (germline): Likely benign. Review status: criteria provided, multiple submitters, no conflicts (2 of 4 stars). 2 submissions from 2 submitters: Likely benign (2). Last evaluated 2025-01-24.

Conditions:
NOTCH2-related disorder. Also called: NOTCH2-related condition.
Hajdu-Cheney syndrome (HJCYS). Also called: ACROOSTEOLYSIS WITH OSTEOPOROSIS AND CHANGES IN SKULL AND MANDIBLE; SERPENTINE FIBULA-POLYCYSTIC KIDNEY SYNDROME; Acroosteolysis dominant type. Identifiers: Orphanet 955, MedGen C0917715, MONDO:0007057, OMIM 102500.

Allele frequency attached by ClinVar (database versions not stated): TOPMed below 0.00001; ExAC 0.00002.

Submissions (2):

PreventionGenetics, part of Exact Sciences
Classification: Likely benign for NOTCH2-related condition. Last evaluated: 2025-01-24. Review status: criteria provided, single submitter. Criteria: ACMG Guidelines, 2015. Collection method: clinical testing. Allele origin: germline.
Comment: This variant is classified as likely benign based on ACMG/AMP sequence variant interpretation guidelines (Richards et al. 2015 PMID: 25741868, with internal and published modifications).

Labcorp Genetics (formerly Invitae), Labcorp
Classification: Likely benign for Hajdu-Cheney syndrome. Last evaluated: 2024-01-11. Review status: criteria provided, single submitter. Criteria: Invitae Variant Classification Sherloc (09022015). Collection method: clinical testing. Allele origin: germline.